The following is an entry in ClinVar:

NM_004385.5(VCAN):c.9599A>G (p.Gln3200Arg)

Genes: VCAN (versican; plus strand), VCAN-AS1 (VCAN antisense RNA 1; minus strand). Cytogenetic location: 5q14.3.
Variant type: single nucleotide variant.
Coding change: c.9599A>G on transcript NM_004385.5 (MANE Select); coding-DNA position 9599, A replaced by G.
Protein change: p.Gln3200Arg; replaces glutamine 3200 with arginine.
Molecular consequence: missense variant.
Genome position (GRCh38, 1-based): chr5:83,553,469, A>G. VCF-style: chr5-83553469-A-G. GRCh37 (hg19) VCF-style: chr5-82849288-A-G.
Other names: c.1376A>G, p.Gln459Arg (NM_001126336.3); c.6638A>G, p.Gln2213Arg (NM_001164097.2); c.4337A>G, p.Gln1446Arg (NM_001164098.2); short protein forms Q2213R, Q3200R, Q459R, Q1446R.
Identifiers: ClinVar variation 2845715 (VCV002845715.3), dbSNP rs2479154250, ClinGen allele CA360297474.

ClinVar aggregate classification (germline): Uncertain significance (1 of 4 stars; one submission).

Submission:

Labcorp Genetics (formerly Invitae), Labcorp
Classification: Uncertain significance. Last evaluated: 2023-03-14. Review status: criteria provided, single submitter. Criteria: Invitae Variant Classification Sherloc (09022015). Collection method: clinical testing. Allele origin: germline.
Comment: In summary, the available evidence is currently insufficient to determine the role of this variant in disease. Therefore, it has been classified as a Variant of Uncertain Significance. An algorithm developed to predict the effect of missense changes on protein structure and function (PolyPhen-2) suggests that this variant is likely to be disruptive. This variant has not been reported in the literature in individuals affected with VCAN-related conditions. This variant is not present in population databases (gnomAD no frequency). This sequence change replaces glutamine, which is neutral and polar, with arginine, which is basic and polar, at codon 3200 of the VCAN protein (p.Gln3200Arg).